The following is an entry in ClinVar:

ClinVar aggregate classification (germline): Uncertain significance (1 of 4 stars; one submission).

Submission:

Ambry Genetics
Classification: Uncertain significance. Last evaluated: 2025-02-03. Review status: criteria provided, single submitter. Criteria: Ambry Variant Classification Scheme 2023. Collection method: clinical testing. Allele origin: germline.
Comment: The p.A558D variant (also known as c.1673C>A), located in coding exon 8 of the ATRIP gene, results from a C to A substitution at nucleotide position 1673. The alanine at codon 558 is replaced by aspartic acid, an amino acid with dissimilar properties. This amino acid position is conserved. In addition, this alteration is predicted to be tolerated by in silico analysis. Based on the available evidence, the clinical significance of this variant remains unclear.

NM_130384.3(ATRIP):c.1673C>A (p.Ala558Asp)

Genes: ATRIP (ATR interacting protein; plus strand), ATRIP-TREX1 (ATRIP-TREX1 readthrough; plus strand). Cytogenetic location: 3p21.31.
Variant type: single nucleotide variant.
Coding change: c.1673C>A on transcript NM_130384.3 (MANE Select); coding-DNA position 1673, C replaced by A.
Protein change: p.Ala558Asp; replaces alanine 558 with aspartic acid.
Molecular consequence: missense variant. On other transcripts: non-coding transcript variant (1).
Genome position (GRCh38, 1-based): chr3:48,460,727, C>A. VCF-style: chr3-48460727-C-A. GRCh37 (hg19) VCF-style: chr3-48502126-C-A.
Other names: c.1292C>A, p.Ala431Asp (NM_001271022.2); c.1394C>A, p.Ala465Asp (NM_001271023.2); c.1673C>A, p.Ala558Asp (NM_032166.4); short protein forms A431D, A465D, A558D.
Identifiers: ClinVar variation 3810393 (VCV003810393.1).